The following is an entry in ClinVar:

ClinVar aggregate classification (germline): Likely benign (1 of 4 stars; one submission).

Conditions:
Leigh syndrome (NULS). Also called: Leigh's necrotizing encephalopathy; Leigh's disease; Leigh Syndrome (mtDNA deletion); Leigh Disease; Subacute necrotizing encephalopathy; Necrotizing encephalopathy infantile subacute of Leigh. Identifiers: Orphanet 506, MedGen C2931891, MONDO:0009723, OMIM 256000.

Submission:

Wong Mito Lab, Molecular and Human Genetics, Baylor College of Medicine
Classification: Likely benign for Leigh syndrome. Last evaluated: 2019-10-17. Review status: criteria provided, single submitter. Criteria: Modified ACMG Guidelines (Unpublished). Collection method: clinical testing. Allele origin: germline.
Comment: The NC_012920.1:m.5166A>G (YP_003024027.1:p.Thr233Ala) variant in MTND2 gene is interpretated to be a Likely Benign variant based on the modified ACMG guidelines (unpublished). This variant meets the following evidence codes: BS4, BP4, BP6, PP7

NC_012920.1(MT-ND2):m.5166A>G

Gene: MT-ND2 (mitochondrially encoded NADH dehydrogenase 2; plus strand).
Variant type: single nucleotide variant.
Genome position: chrM-5166-A-G.
Identifiers: ClinVar variation 692550 (VCV000692550.1), dbSNP rs1603219809, ClinGen allele CA414779143.